The following is an entry in ClinVar:

NM_004415.4(DSP):c.3333C>A (p.Ile1111=)

Gene: DSP (desmoplakin; plus strand). Cytogenetic location: 6p24.3.
Variant type: single nucleotide variant.
Coding change: c.3333C>A on transcript NM_004415.4 (MANE Select); coding-DNA position 3333, C replaced by A.
Protein change: p.Ile1111=; no amino-acid change (isoleucine 1111 retained).
Molecular consequence: synonymous variant.
Genome position (GRCh38, 1-based): chr6:7,579,523, C>A. VCF-style: chr6-7579523-C-A. GRCh37 (hg19) VCF-style: chr6-7579756-C-A.
Other names: c.3333C>A (NM_004415.2); c.3333C>A, p.Ile1111= (NM_001008844.3, NM_001319034.2).
Identifiers: ClinVar variation 1598055 (VCV001598055.12), dbSNP rs1759349079, ClinGen allele CA448714411.
Genomic context (GRCh38, chr6:7,579,523, plus strand): 5'-GTCGGCTAAGCAAAATCTAGACAAGTGCTACGGCCAAATAAAAGAACTCAATGAGAAGAT[C>A]ACCCGACTGACTTATGAGATTGAAGATGAAAAGAGAAGAAGAAAATCTGTGGAAGACAGA-3'
Protein context (NP_004406.2, residues 1101-1121): YGQIKELNEK[Ile1111=]TRLTYEIEDE

ClinVar aggregate classification (germline): Likely benign. Review status: criteria provided, multiple submitters, no conflicts (2 of 4 stars). 4 submissions from 4 submitters: Likely benign (4). Last evaluated 2025-06-04.

Conditions:
Arrhythmogenic right ventricular dysplasia 8 (ARVD8). Also called: Arrhythmogenic Right Ventricular Dysplasia/Cardiomyopathy 8; ARRHYTHMOGENIC RIGHT VENTRICULAR DYSPLASIA, FAMILIAL, 8; ARRHYTHMOGENIC RIGHT VENTRICULAR CARDIOMYOPATHY 8. Identifiers: MedGen C1843896, MONDO:0011831, OMIM 607450.
Arrhythmogenic cardiomyopathy with wooly hair and keratoderma. Also called: Carvajal syndrome; Dilated cardiomyopathy with woolly hair and keratoderma; Arrhythmogenic cardiomyopathy with woolly hair and keratoderma; PALMOPLANTAR KERATODERMA WITH LEFT VENTRICULAR CARDIOMYOPATHY AND WOOLLY HAIR. Identifiers: Orphanet 65282, MedGen C1854063, MONDO:0011581, OMIM 605676.
Cardiovascular phenotype. Identifiers: MedGen CN230736.
Cardiomyopathy (CMYO). Also called: Cardiomyopathies. Identifiers: Orphanet 167848, MedGen C0878544, MONDO:0004994, HP:0001638. Inheritance: Various modes of inheritance.

Allele frequency attached by ClinVar (database versions not stated): TOPMed below 0.00001; gnomAD 0.00001.
gnomAD v4.1: 7 of 1,613,810 alleles (0.00043%); highest among the groups gnomAD compares: Non-Finnish European, 0.00059%; no homozygotes.

Submissions (4):

Labcorp Genetics (formerly Invitae), Labcorp
Classification: Likely benign for Arrhythmogenic cardiomyopathy with wooly hair and keratoderma; Arrhythmogenic right ventricular dysplasia 8. Last evaluated: 2025-06-04. Review status: criteria provided, single submitter. Criteria: Invitae Variant Classification Sherloc (09022015). Collection method: clinical testing. Allele origin: germline.

Ambry Genetics
Classification: Likely benign for Cardiovascular phenotype. Last evaluated: 2025-03-03. Review status: criteria provided, single submitter. Criteria: Ambry Variant Classification Scheme 2023. Collection method: clinical testing. Allele origin: germline.

All of Us Research Program, National Institutes of Health
Classification: Likely benign for Arrhythmogenic cardiomyopathy with wooly hair and keratoderma. Last evaluated: 2023-12-13. Review status: criteria provided, single submitter. Criteria: ACMG Guidelines, 2015. Collection method: clinical testing. Allele origin: germline. Inheritance: Autosomal dominant inheritance. Observed: 2 variant alleles, 2 heterozygotes.
Comment: This study involves interpretation of variants in research participants for the purpose of population health screening. Participant phenotype was not available at the time of variant classification. Additional details can be found in publication PMID: 35346344, PMCID: PMC8962531

Color Diagnostics, LLC DBA Color Health
Classification: Likely benign for Cardiomyopathy. Last evaluated: 2022-05-06. Review status: criteria provided, single submitter. Criteria: ACMG Guidelines, 2015. Collection method: clinical testing. Allele origin: germline.